The following is an entry in ClinVar:

ClinVar aggregate classification (germline): Uncertain significance. Review status: criteria provided, multiple submitters, no conflicts (2 of 4 stars). 2 submissions from 2 submitters: Uncertain significance (2). Last evaluated 2022-02-25.

Conditions:
Naxos disease (NXD). Also called: KERATOSIS PALMOPLANTARIS WITH ARRHYTHMOGENIC CARDIOMYOPATHY; MAL DE NAXOS; PALMOPLANTAR KERATODERMA WITH ARRHYTHMOGENIC RIGHT VENTRICULAR CARDIOMYOPATHY AND WOOLLY HAIR; WOOLLY HAIR, PALMOPLANTAR KERATODERMA, AND CARDIAC ABNORMALITIES; CARDIOMYOPATHY, ARRHYTHMOGENIC RIGHT VENTRICULAR, WITH SKIN, HAIR, AND NAIL ABNORMALITIES. Identifiers: Orphanet 34217, MedGen C1832600, MONDO:0011017, OMIM 601214.
Arrhythmogenic right ventricular dysplasia 12. Also called: ARRHYTHMOGENIC RIGHT VENTRICULAR DYSPLASIA, FAMILIAL, 12. Identifiers: MedGen C1969081, MONDO:0012684, OMIM 611528.

gnomAD v4.1: 6 of 1,614,038 alleles (0.00037%); highest among the groups gnomAD compares: Non-Finnish European, 0.00042%; no homozygotes.

Submissions (2):

Labcorp Genetics (formerly Invitae), Labcorp
Classification: Uncertain significance for Arrhythmogenic right ventricular dysplasia 12; Naxos disease. Last evaluated: 2022-02-25. Review status: criteria provided, single submitter. Criteria: Invitae Variant Classification Sherloc (09022015). Collection method: clinical testing. Allele origin: germline.
Comment: ClinVar contains an entry for this variant (Variation ID: 45840). This variant has not been reported in the literature in individuals affected with JUP-related conditions. This variant is not present in population databases (gnomAD no frequency). This sequence change replaces arginine, which is basic and polar, with leucine, which is neutral and non-polar, at codon 572 of the JUP protein (p.Arg572Leu). Algorithms developed to predict the effect of missense changes on protein structure and function are either unavailable or do not agree on the potential impact of this missense change (SIFT: "Deleterious"; PolyPhen-2: "Benign"; Align-GVGD: "Class C15"). In summary, the available evidence is currently insufficient to determine the role of this variant in disease. Therefore, it has been classified as a Variant of Uncertain Significance.

Laboratory for Molecular Medicine, Mass General Brigham Personalized Medicine
Classification: Uncertain significance. Last evaluated: 2012-07-25. Review status: criteria provided, single submitter. Criteria: LMM Criteria. Collection method: clinical testing. Allele origin: germline. Observed: 1 variant allele.
Comment: The Arg572Leu variant in JUP has not been reported in the literature nor previou sly identified by our laboratory. It has also not been detected in 2 very large and broad populations (European and African American) screened by the NHLBI Exom e Sequencing Project. This low frequency is consistent with a disease causing role but is insufficient to establish this wit h confidence. The affected amino acid is highly conserved in evolution, suggesti ng that a change would impact the protein. This is consistent with other comput ational analyses (biochemical amino acid properties, AlignGVGD, PolyPhen2, and S IFT) that predict an impact to the protein (their accuracy is unknown). Addition al information is needed to fully assess the clinical significance of the Arg572 Leu variant.

NM_002230.4(JUP):c.1715G>T (p.Arg572Leu)

Gene: JUP (junction plakoglobin; minus strand). Cytogenetic location: 17q21.2.
Variant type: single nucleotide variant.
Coding change: c.1715G>T on transcript NM_002230.4 (MANE Select); coding-DNA position 1715, G replaced by T.
Protein change: p.Arg572Leu; replaces arginine 572 with leucine.
Molecular consequence: missense variant.
Genome position (GRCh38, 1-based): chr17:41,758,457, C>A on the plus strand (G>T on the coding strand, the complement: JUP is on the minus strand). VCF-style: chr17-41758457-C-A. GRCh37 (hg19) VCF-style: chr17-39914709-C-A.
Other names: c.1715G>T, p.Arg572Leu (NM_001352773.2, NM_001352774.2, NM_001352775.2 and 3 more transcripts); short protein forms R572L.
Identifiers: ClinVar variation 45840 (VCV000045840.8), dbSNP rs397517298, ClinGen allele CA137156.
Genomic context (GRCh38, chr17:41,758,457, plus strand): 5'-ACCTGCACAAACAGGGGAATGGTGTTGAGCCGGAAGATCTCCATGCGGTTCATGGGGTCC[C>A]GGGCGAGGATGTGCAGTGCTCCGGTGCAGCCCTCCACAATCTCCTCCATCCTCACACCAT-3'
Protein context (NP_002221.1, residues 562-582): GCTGALHILA[Arg572Leu]DPMNRMEIFR